The following is an entry in ClinVar:

ClinVar aggregate classification (germline): Likely pathogenic (1 of 4 stars; one submission).

Submission:

Ambry Genetics
Classification: Likely pathogenic. Last evaluated: 2025-03-07. Review status: criteria provided, single submitter. Criteria: Ambry Variant Classification Scheme 2023. Collection method: clinical testing. Allele origin: germline.
Comment: The c.1841T>C (p.I614T) alteration is located in exon 13 (coding exon 13) of the PRKD1 gene. This alteration results from a T to C substitution at nucleotide position 1841, causing the isoleucine (I) at amino acid position 614 to be replaced by a threonine (T). for autosomal dominant PRKD1-related telangiectasia-ectodermal dysplasia-brachydactyly-cardiac anomaly syndrome; however, its clinical significance for autosomal recessive PRKD1-related congenital heart defects is uncertain. This variant was not reported in population-based cohorts in the Genome Aggregation Database (gnomAD). This amino acid position is highly conserved in available vertebrate species. This alteration is predicted to be deleterious by in silico analysis. Based on the available evidence, this alteration is classified as likely pathogenic.

NM_002742.3(PRKD1):c.1841T>C (p.Ile614Thr)

Gene: PRKD1 (protein kinase D1; minus strand). Cytogenetic location: 14q12.
Variant type: single nucleotide variant.
Coding change: c.1841T>C on transcript NM_002742.3 (MANE Select); coding-DNA position 1841, T replaced by C.
Protein change: p.Ile614Thr; replaces isoleucine 614 with threonine.
Molecular consequence: missense variant.
Genome position (GRCh38, 1-based): chr14:29,624,216, A>G on the plus strand (T>C on the coding strand, the complement: PRKD1 is on the minus strand). VCF-style: chr14-29624216-A-G. GRCh37 (hg19) VCF-style: chr14-30093422-A-G.
Other names: c.1865T>C, p.Ile622Thr (NM_001330069.2); c.1577T>C, p.Ile526Thr (NM_001348390.1); short protein forms I614T, I526T, I622T.
Identifiers: ClinVar variation 3783367 (VCV003783367.1).